The following is an entry in ClinVar:

ClinVar aggregate classification (germline): Uncertain significance. Review status: criteria provided, multiple submitters, no conflicts (2 of 4 stars). 2 submissions from 2 submitters: Uncertain significance (2). Last evaluated 2016-08-24.

Conditions:
Adenylosuccinate lyase deficiency (ADSLD). Also called: ADSL DEFICIENCY. Identifiers: Orphanet 46, MedGen C0268126, MONDO:0007068, OMIM 103050.

Allele frequency attached by ClinVar (database versions not stated): TOPMed below 0.00001; gnomAD exomes 0.00001.
gnomAD v4.1: 4 of 1,609,778 alleles (0.00025%); highest among the groups gnomAD compares: East Asian, 0.0089%; no homozygotes.

Submissions (2):

Labcorp Genetics (formerly Invitae), Labcorp
Classification: Uncertain significance for Adenylosuccinate lyase deficiency. Last evaluated: 2016-08-24. Review status: criteria provided, single submitter. Criteria: Invitae Variant Classification Sherloc (09022015). Collection method: clinical testing. Allele origin: germline.
Comment: In summary, this is a novel intronic change with uncertain impact on splicing. It has been classified as a Variant of Uncertain Significance. Algorithms developed to predict the effect of sequence changes on mRNA splicing suggest that this variant may alter RNA splicing, but this prediction has not been confirmed by published transcriptional studies. This variant is not present in population databases (ExAC no frequency) and has not been reported in the literature in individuals with a ADSL-related disease. This sequence change falls in intron 4 of the ADSL gene. It does not directly change the encoded amino acid sequence of the ADSL protein.

Eurofins Ntd Llc (ga)
Classification: Uncertain significance. Last evaluated: 2015-09-15. Review status: criteria provided, single submitter. Criteria: EGL Classification Definitions 2015. Collection method: clinical testing. Allele origin: germline. Observed: 1 variant allele, 1 heterozygote.

NM_000026.4(ADSL):c.482+8A>G

Gene: ADSL (adenylosuccinate lyase; plus strand). Cytogenetic location: 22q13.1.
Variant type: single nucleotide variant.
Coding change: c.482+8A>G on transcript NM_000026.4 (MANE Select); 8 bases into the intron after coding-DNA position 482, A replaced by G.
Molecular consequence: intron variant.
Genome position (GRCh38, 1-based): chr22:40,354,335, A>G. VCF-style: chr22-40354335-A-G. GRCh37 (hg19) VCF-style: chr22-40750339-A-G.
Other names: c.482+8A>G (NM_001363840.3, NM_001123378.3); c.290+8A>G (NM_001317923.2).
Identifiers: ClinVar variation 283351 (VCV000283351.13), dbSNP rs886042606, ClinGen allele CA10604469.
Genomic context (GRCh38, chr22:40,354,335, plus strand): 5'-GACTTTGCTAAGGAACGAGCCAGTCTACCCACATTAGGTTTCACACATTTCCAGTAAGTG[A>G]TAAGATTACTTCTTGTTTATGTGCATATGGCTTTCAGCTGCTTCTTGAGTTCTCTGTTTT-3'